The following is an entry in ClinVar:

ClinVar aggregate classification (germline): Uncertain significance (1 of 4 stars; one submission).

Submission:

Labcorp Genetics (formerly Invitae), Labcorp
Classification: Uncertain significance. Last evaluated: 2022-05-30. Review status: criteria provided, single submitter. Criteria: Invitae Variant Classification Sherloc (09022015). Collection method: clinical testing. Allele origin: germline.
Comment: This sequence change falls in intron 15 of the DENND5A gene. It does not directly change the encoded amino acid sequence of the DENND5A protein. This variant is not present in population databases (gnomAD no frequency). This variant has not been reported in the literature in individuals affected with DENND5A-related conditions. Algorithms developed to predict the effect of sequence changes on RNA splicing suggest that this variant may create or strengthen a splice site. In summary, the available evidence is currently insufficient to determine the role of this variant in disease. Therefore, it has been classified as a Variant of Uncertain Significance.

NM_015213.4(DENND5A):c.2736-5A>G

Gene: DENND5A (DENN domain containing 5A; minus strand). Cytogenetic location: 11p15.4.
Variant type: single nucleotide variant.
Coding change: c.2736-5A>G on transcript NM_015213.4 (MANE Select); 5 bases into the intron before coding-DNA position 2736, A replaced by G.
Molecular consequence: intron variant.
Genome position (GRCh38, 1-based): chr11:9,147,156, T>C on the plus strand (A>G on the coding strand, the complement: DENND5A is on the minus strand). VCF-style: chr11-9147156-T-C. GRCh37 (hg19) VCF-style: chr11-9168703-T-C.
Other names: c.2664-5A>G (NM_001348749.2); c.2736-5A>G (NM_001243254.2); c.2448-5A>G (NM_001348750.2).
Identifiers: ClinVar variation 2001148 (VCV002001148.4), dbSNP rs1847459269, ClinGen allele CA2580084034.